The following is an entry in ClinVar:

NM_000051.4(ATM):c.7274G>A (p.Gly2425Asp)

Genes: ATM (ATM serine/threonine kinase; plus strand), C11orf65 (chromosome 11 open reading frame 65; minus strand). Cytogenetic location: 11q22.3.
Variant type: single nucleotide variant.
Coding change: c.7274G>A on transcript NM_000051.4 (MANE Select); coding-DNA position 7274, G replaced by A.
Protein change: p.Gly2425Asp; replaces glycine 2425 with aspartic acid.
Molecular consequence: missense variant. On other transcripts: intron variant (2).
Genome position (GRCh38, 1-based): chr11:108,329,205, G>A. VCF-style: chr11-108329205-G-A. GRCh37 (hg19) VCF-style: chr11-108199932-G-A.
Other names: c.7274G>A, p.Gly2425Asp (NM_001351834.2); c.641-20134C>T (NM_001330368.2); c.*38+6015C>T (NM_001351110.2); short protein forms G2425D.
Identifiers: ClinVar variation 1440747 (VCV001440747.9), dbSNP rs148949644, ClinGen allele CA382559773.

ClinVar aggregate classification (germline): Uncertain significance. Review status: criteria provided, multiple submitters, no conflicts (2 of 4 stars). 2 submissions from 2 submitters: Uncertain significance (2). Last evaluated 2025-07-04.

Conditions:
Ataxia-telangiectasia syndrome (AT). Also called: Ataxia-telangiectasia; LOUIS-BAR SYNDROME; Ataxia-telangiectasia, complementation group D; AT, COMPLEMENTATION GROUP C; ATAXIA-TELANGIECTASIA, COMPLEMENTATION GROUP A; ATAXIA-TELANGIECTASIA, FRESNO VARIANT. Identifiers: Orphanet 100, MedGen C0004135, MONDO:0008840, OMIM 208900.
Hereditary cancer-predisposing syndrome. Also called: Tumor predisposition; Neoplastic Syndromes, Hereditary; Hereditary Cancer Syndrome; Hereditary neoplastic syndrome. Identifiers: Orphanet 140162, MedGen C0027672, MeSH D009386, MONDO:0015356.

Submissions (2):

Ambry Genetics
Classification: Uncertain significance for Hereditary cancer-predisposing syndrome. Last evaluated: 2025-07-04. Review status: criteria provided, single submitter. Criteria: Ambry Variant Classification Scheme 2023. Collection method: clinical testing. Allele origin: germline.
Comment: The p.G2425D variant (also known as c.7274G>A), located in coding exon 48 of the ATM gene, results from a G to A substitution at nucleotide position 7274. The glycine at codon 2425 is replaced by aspartic acid, an amino acid with similar properties. This amino acid position is conserved. In addition, the in silico prediction for this alteration is inconclusive. Based on the available evidence, the clinical significance of this variant remains unclear.

Labcorp Genetics (formerly Invitae), Labcorp
Classification: Uncertain significance for Ataxia-telangiectasia syndrome. Last evaluated: 2022-05-10. Review status: criteria provided, single submitter. Criteria: Invitae Variant Classification Sherloc (09022015). Collection method: clinical testing. Allele origin: germline.
Comment: Algorithms developed to predict the effect of sequence changes on RNA splicing suggest that this variant may disrupt the consensus splice site. Advanced modeling of protein sequence and biophysical properties (such as structural, functional, and spatial information, amino acid conservation, physicochemical variation, residue mobility, and thermodynamic stability) performed at Invitae indicates that this missense variant is not expected to disrupt ATM protein function. This variant has not been reported in the literature in individuals affected with ATM-related conditions. This variant is not present in population databases (gnomAD no frequency). This sequence change replaces glycine, which is neutral and non-polar, with aspartic acid, which is acidic and polar, at codon 2425 of the ATM protein (p.Gly2425Asp). In summary, the available evidence is currently insufficient to determine the role of this variant in disease. Therefore, it has been classified as a Variant of Uncertain Significance.